The following is an entry in ClinVar:

ClinVar aggregate classification (germline): Uncertain significance (1 of 4 stars; one submission).

Conditions:
Oligodontia-cancer predisposition syndrome. Also called: TOOTH AGENESIS-COLORECTAL CANCER SYNDROME. Identifiers: Orphanet 300576, MedGen C1837750, MONDO:0012075, OMIM 608615. Disease mechanism: loss of function.

Submission:

Labcorp Genetics (formerly Invitae), Labcorp
Classification: Uncertain significance for Oligodontia-cancer predisposition syndrome. Last evaluated: 2025-03-30. Review status: criteria provided, single submitter. Criteria: Invitae Variant Classification Sherloc (09022015). Collection method: clinical testing. Allele origin: germline.
Comment: This sequence change replaces serine, which is neutral and polar, with asparagine, which is neutral and polar, at codon 252 of the AXIN2 protein (p.Ser252Asn). This variant is not present in population databases (gnomAD no frequency). This variant has not been reported in the literature in individuals affected with AXIN2-related conditions. ClinVar contains an entry for this variant (Variation ID: 950546). Invitae Evidence Modeling of protein sequence and biophysical properties (such as structural, functional, and spatial information, amino acid conservation, physicochemical variation, residue mobility, and thermodynamic stability) indicates that this missense variant is not expected to disrupt AXIN2 protein function with a negative predictive value of 80%. In summary, the available evidence is currently insufficient to determine the role of this variant in disease. Therefore, it has been classified as a Variant of Uncertain Significance.

NM_004655.4(AXIN2):c.755G>A (p.Ser252Asn)

Gene: AXIN2 (axin 2; minus strand). Cytogenetic location: 17q24.1.
Variant type: single nucleotide variant.
Coding change: c.755G>A on transcript NM_004655.4 (MANE Select); coding-DNA position 755, G replaced by A.
Protein change: p.Ser252Asn; replaces serine 252 with asparagine.
Molecular consequence: missense variant.
Genome position (GRCh38, 1-based): chr17:65,557,866, C>T on the plus strand (G>A on the coding strand, the complement: AXIN2 is on the minus strand). VCF-style: chr17-65557866-C-T. GRCh37 (hg19) VCF-style: chr17-63553984-C-T.
Other names: c.755G>A, p.Ser252Asn (NM_001363813.1); short protein forms S252N.
Identifiers: ClinVar variation 950546 (VCV000950546.8), dbSNP rs750951236, ClinGen allele CA400680344.